The following is an entry in ClinVar:

NM_007129.5(ZIC2):c.1377_1385del (p.Ala468_Ala470del)

Genes: ZIC2 (Zic family zinc finger 2; plus strand), LOC110008580 (Zic family member 2 polyalanine repeat instability region; plus strand). Cytogenetic location: 13q32.3.
Variant type: Deletion.
Coding change: c.1377_1385del on transcript NM_007129.5 (MANE Select); coding-DNA positions 1377 to 1385, 9 bases deleted (AGCGGCGGC; older notation c.1377_1385delAGCGGCGGC).
Protein change: p.Ala468_Ala470del.
Molecular consequence: inframe deletion.
Genome position (GRCh38, 1-based): chr13:99,985,460-99,985,468, AGCGGCGGC deleted; deleting any 9 consecutive bases within chr13:99,985,452-99,985,468 gives the same sequence; the c. name uses the placement nearest the transcript's 3' end. VCF-style (leftmost placement, unchanged base first): chr13-99985451-GGCGGCGGCA-G. GRCh37 (hg19) VCF-style: chr13-100637705-GGCGGCGGCA-G.
Identifiers: ClinVar variation 4743630 (VCV004743630.1).

ClinVar aggregate classification (germline): Uncertain significance (1 of 4 stars; one submission).

Conditions:
Holoprosencephaly 5 (HPE5). Identifiers: Orphanet 2162, MedGen C1864827, MONDO:0012322, OMIM 609637.

Submission:

Labcorp Genetics (formerly Invitae), Labcorp
Classification: Uncertain significance for Holoprosencephaly 5. Last evaluated: 2026-01-29. Review status: criteria provided, single submitter. Criteria: Invitae Variant Classification Sherloc (09022015). Collection method: clinical testing. Allele origin: germline.
Comment: This variant, c.1377_1385del, results in the deletion of 3 amino acid(s) of the ZIC2 protein (p.Ala468_Ala470del), but otherwise preserves the integrity of the reading frame. The frequency data for this variant in the population databases is considered unreliable, as metrics indicate poor data quality at this position in the gnomAD database. This variant has been observed in individual(s) with cleft palate (PMID: 37589029). Experimental studies and prediction algorithms are not available or were not evaluated, and the functional significance of this variant is currently unknown. In summary, the available evidence is currently insufficient to determine the role of this variant in disease. Therefore, it has been classified as a Variant of Uncertain Significance.

Literature cited by the submitters: PubMed 37589029.